The following is an entry in ClinVar:

ClinVar aggregate classification (germline): Pathogenic. Review status: criteria provided, multiple submitters, no conflicts (2 of 4 stars). 2 submissions from 2 submitters: Pathogenic (2). Last evaluated 2022-11-01.

Conditions:
Early-infantile DEE. Also called: Early infantile epileptic encephalopathy; Ohtahara syndrome; Early infantile epileptic encephalopathy with suppression bursts. Identifiers: Orphanet 1934, MedGen C0393706, MONDO:0800491.
Severe myoclonic epilepsy in infancy (DRVT). Also called: Epileptic encephalopathy, early infantile, 6 (Dravet syndrome); SEVERE MYOCLONIC EPILEPSY OF INFANCY; DEVELOPMENTAL AND EPILEPTIC ENCEPHALOPATHY 6A; Severe Myoclonic Epilepsy in Infancy (SMEI); Dravet syndrome. Identifiers: Orphanet 33069, MedGen C0751122, MONDO:0100135, OMIM 607208.

Submissions (2):

Labcorp Genetics (formerly Invitae), Labcorp
Classification: Pathogenic for Early-infantile DEE. Last evaluated: 2022-11-01. Review status: criteria provided, single submitter. Criteria: Invitae Variant Classification Sherloc (09022015). Collection method: clinical testing. Allele origin: germline.
Comment: For these reasons, this variant has been classified as Pathogenic. This variant disrupts the c.264+2G nucleotide in the SCN1A gene. Other variant(s) that disrupt this nucleotide have been determined to be pathogenic (PMID: 17054684, 25669891). This suggests that this nucleotide is clinically significant, and that variants that disrupt this position are likely to be disease-causing. Variants that disrupt the consensus splice site are a relatively common cause of aberrant splicing (PMID: 17576681, 9536098). Algorithms developed to predict the effect of sequence changes on RNA splicing suggest that this variant may disrupt the consensus splice site. ClinVar contains an entry for this variant (Variation ID: 189925). This variant has been observed in individual(s) with Dravet syndrome (PMID: 26096185). In at least one individual the variant was observed to be de novo. This variant is not present in population databases (gnomAD no frequency). This sequence change falls in intron 1 of the SCN1A gene. It does not directly change the encoded amino acid sequence of the SCN1A protein. It affects a nucleotide within the consensus splice site.

Center for Bioinformatics, Peking University
Classification: Pathogenic for Dravet syndrome. Last evaluated: 2014-12-20. Review status: criteria provided, single submitter. Criteria: Xu et al. (Hum Mutat. 2015). Collection method: research. Allele origin: de novo. Affected: yes. Observed: 1 variant allele. Study: University Clinical Cooperation “985 Project” PKU-2014-1-1.
Comment: Dravet syndrome (DS) probands were recruited from the outpatient and inpatient child neurology units of Peking University First Hospital from 2005 till present. The study was approved by the Ethics Committee of Peking University First Hospital and the Institutional Review Board at Peking University. Participants or their parents provided written informed consent before enrollment. We collected a total of 267 mutations from 255 families with probands diagnosed with DS in China. All probands fulfilled the clinical diagnostic criteria.

Literature cited by the submitters: PubMed 17054684 (cited by Labcorp Genetics (formerly Invitae), Labcorp); PubMed 25669891 (cited by Labcorp Genetics (formerly Invitae), Labcorp); PubMed 17576681 (cited by Labcorp Genetics (formerly Invitae), Labcorp); PubMed 9536098 (cited by Labcorp Genetics (formerly Invitae), Labcorp); PubMed 26096185 (cited by Labcorp Genetics (formerly Invitae), Labcorp).

NM_001165963.4(SCN1A):c.264+5G>C

Gene: SCN1A (sodium voltage-gated channel alpha subunit 1; minus strand). Cytogenetic location: 2q24.3.
Variant type: single nucleotide variant.
Coding change: c.264+5G>C on transcript NM_001165963.4 (MANE Select); 5 bases into the intron after coding-DNA position 264, G replaced by C.
Molecular consequence: intron variant.
Genome position (GRCh38, 1-based): chr2:166,073,353, C>G on the plus strand (G>C on the coding strand, the complement: SCN1A is on the minus strand). VCF-style: chr2-166073353-C-G. GRCh37 (hg19) VCF-style: chr2-166929863-C-G.
Other names: c.264+5G>C (NM_001353949.2, NM_001353958.2, NM_001353950.2 and 10 more transcripts); c.-2162+5G>C (NM_001353961.2).
Identifiers: ClinVar variation 189925 (VCV000189925.10), dbSNP rs794726762, ClinGen allele CA303326.